The following is an entry in ClinVar:

NM_001378454.1(ALMS1):c.10765_10766insGCCGGGCGCGGTGGCTCACGCCTGTAATCCCAGCACTTTGGGAGGCCGAGGCGGGCGGATCACGAGGTCAGGAGATCGAGACCATCCTGGCTAACACGGTGAAACCCCGTCNNNNNNNNNNAAAAAAAAAAAAAAAAAAAAAGAAGGTCACCCCAG (p.Pro3588_Glu3589insGlyArgAlaArgTrpLeuThrProValIleProAlaLeuTrpGluAlaGluAlaGlyGlySerArgGlyGlnGluIleGluThrIleLeuAlaAsnThrValLysProArgXaaXaaXaaXaaLysLysLysLysLysLysLysLysValThrPro)

Gene: ALMS1 (ALMS1 centrosome and basal body associated protein; plus strand). Cytogenetic location: 2p13.1.
Variant type: Insertion.
Coding change: c.10765_10766insGCCGGGCGCGGTGGCTCACGCCTGTAATCCCAGCACTTTGGGAGGCCGAGGCGGGCGGATCACGAGGTCAGGAGATCGAGACCATCCTGGCTAACACGGTGAAACCCCGTCNNNNNNNNNNAAAAAAAAAAAAAAAAAAAAAGAAGGTCACCCCAG on transcript NM_001378454.1 (MANE Select); coding-DNA positions 10765 to 10766, GCCGGGCGCGGTGGCTCACGCCTGTAATCCCAGCACTTTGGGAGGCCGAGGCGGGCGGATCACGAGGTCAGGAGATCGAGACCATCCTGGCTAACACGGTGAAACCCCGTCNNNNNNNNNNAAAAAAAAAAAAAAAAAAAAAGAAGGTCACCCCAG inserted.
Protein change: p.Pro3588_Glu3589insGlyArgAlaArgTrpLeuThrProValIleProAlaLeuTrpGluAlaGluAlaGlyGlySerArgGlyGlnGluIleGluThrIleLeuAlaAsnThrValLysProArgXaaXaaXaaXaaLysLysLysLysLysLysLysLysValThrPro.
Molecular consequence: inframe insertion.
Genome position: GRCh38: chr2:73,572,642-73,572,643. GRCh37 (hg19): chr2:73,799,769-73,799,770.
Other names: c.10768_10769insGCCGGGCGCGGTGGCTCACGCCTGTAATCCCAGCACTTTGGGAGGCCGAGGCGGGCGGATCACGAGGTCAGGAGATCGAGACCATCCTGGCTAACACGGTGAAACCCCGTCNNNNNNNNNNAAAAAAAAAAAAAAAAAAAAAGAAGGTCACCCCAG, p.Pro3589_Glu3590insGlyArgAlaArgTrpLeuThrProValIleProAlaLeuTrpGluAlaGluAlaGlyGlySerArgGlyGlnGluIleGluThrIleLeuAlaAsnThrValLysProArgXaaXaaXaaXaaLysLysLysLysLysLysLysLysValThrPro (NM_015120.4).
Identifiers: ClinVar variation 1451929 (VCV001451929.6), dbSNP rs2104105041.

ClinVar aggregate classification (germline): Pathogenic (1 of 4 stars; one submission).

Conditions:
Alstrom syndrome (ALMS). Identifiers: Orphanet 64, MedGen C0268425, MONDO:0008763, OMIM 203800.

Submission:

Labcorp Genetics (formerly Invitae), Labcorp
Classification: Pathogenic for Alstrom syndrome. Last evaluated: 2021-05-11. Review status: criteria provided, single submitter. Criteria: Invitae Variant Classification Sherloc (09022015). Collection method: clinical testing. Allele origin: germline.
Comment: This sequence change inserts a large fragment of DNA, likely a transposable element, in exon 16 of the ALMS1 gene (c.10768_10769ins?), causing a frameshift at codon 3590 (p.Glu3590fs). The exact size and sequence of the insertion cannot be determined by the current assay. However, the insertion is expected to result in an absent or disrupted protein product. This variant is not present in population databases (ExAC no frequency). This variant has not been reported in the literature in individuals with ALMS1-related conditions. Retrotransposon insertions including LINE1 (L1), Alu, and SVA (SINE-VNTR-Alu) have been reported to be disease-causing through disruption of either a coding region or splice site (PMID: 19763152, 20307669, 22406018) and loss-of-function variants in ALMS1 are known to be pathogenic (PMID: 17594715). For these reasons, this variant has been classified as Pathogenic.

Literature cited by the submitters: PubMed 19763152; PubMed 20307669; PubMed 22406018; PubMed 17594715.